The following is an entry in ClinVar:

ClinVar aggregate classification (germline): Uncertain significance (1 of 4 stars; one submission).

Allele frequency attached by ClinVar (database versions not stated): TOPMed below 0.00001.

Submission:

Labcorp Genetics (formerly Invitae), Labcorp
Classification: Uncertain significance. Last evaluated: 2022-05-05. Review status: criteria provided, single submitter. Criteria: Invitae Variant Classification Sherloc (09022015). Collection method: clinical testing. Allele origin: germline.
Comment: In summary, the available evidence is currently insufficient to determine the role of this variant in disease. Therefore, it has been classified as a Variant of Uncertain Significance. Algorithms developed to predict the effect of missense changes on protein structure and function output the following: SIFT: "Tolerated"; PolyPhen-2: "Benign"; Align-GVGD: "Class C0". The arginine amino acid residue is found in multiple mammalian species, which suggests that this missense change does not adversely affect protein function. This variant has not been reported in the literature in individuals affected with OR2W3-related conditions. This variant is not present in population databases (gnomAD no frequency). This sequence change replaces histidine, which is basic and polar, with arginine, which is basic and polar, at codon 56 of the OR2W3 protein (p.His56Arg).

NM_001001957.2(OR2W3):c.167A>G (p.His56Arg)

Gene: OR2W3 (olfactory receptor family 2 subfamily W member 3; plus strand). Cytogenetic location: 1q44.
Variant type: single nucleotide variant.
Coding change: c.167A>G on transcript NM_001001957.2 (MANE Select); coding-DNA position 167, A replaced by G.
Protein change: p.His56Arg; replaces histidine 56 with arginine.
Molecular consequence: missense variant.
Genome position (GRCh38, 1-based): chr1:247,895,753, A>G. VCF-style: chr1-247895753-A-G. GRCh37 (hg19) VCF-style: chr1-248059055-A-G.
Other names: short protein forms H56R.
Identifiers: ClinVar variation 1906359 (VCV001906359.5), dbSNP rs1659593899, ClinGen allele CA345591412.
Genomic context (GRCh38, chr1:247,895,753, plus strand): 5'-TCCTGACCCTCGTAGGCAACACCACCATCATCCTGGTGTCCCGGCTGGACCCCCACCTCC[A>G]CACCCCCATGTACTTCTTCCTCGCCCACCTTTCCTTCCTGGACCTCAGTTTCACCACCAG-3'
Protein context (NP_001001957.2, residues 46-66): ILVSRLDPHL[His56Arg]TPMYFFLAHL